The following is an entry in ClinVar:

ClinVar aggregate classification (germline): Likely benign. Review status: criteria provided, single submitter (1 of 4 stars). 2 submissions from 2 submitters: Likely benign (1). 1 of the submissions does not count toward it. Last evaluated 2023-10-08.

Conditions:
BBS12-related disorder. Also called: BBS12-related condition.
Bardet-Biedl syndrome (BBS). Identifiers: Orphanet 110, MedGen C0752166, MONDO:0015229.

Allele frequency attached by ClinVar (database versions not stated): gnomAD exomes below 0.00001; TOPMed below 0.00001.
gnomAD v4.1: 4 of 1,614,222 alleles (0.00025%); highest among the groups gnomAD compares: Non-Finnish European, 0.00034%; no homozygotes.

Submissions (2):

Labcorp Genetics (formerly Invitae), Labcorp
Classification: Likely benign for Bardet-Biedl syndrome. Last evaluated: 2023-10-08. Review status: criteria provided, single submitter. Criteria: Invitae Variant Classification Sherloc (09022015). Collection method: clinical testing. Allele origin: germline.

PreventionGenetics, part of Exact Sciences
Classification: Likely benign for BBS12-related condition. Last evaluated: 2023-03-09. Review status: no assertion criteria provided. Collection method: clinical testing. Allele origin: germline. Not counted in ClinVar's aggregate classification.
Comment: This variant is classified as likely benign based on ACMG/AMP sequence variant interpretation guidelines (Richards et al. 2015 PMID: 25741868, with internal and published modifications).

NM_152618.3(BBS12):c.1563A>G (p.Thr521=)

Gene: BBS12 (Bardet-Biedl syndrome 12; plus strand). Cytogenetic location: 4q27.
Variant type: single nucleotide variant.
Coding change: c.1563A>G on transcript NM_152618.3 (MANE Select); coding-DNA position 1563, A replaced by G.
Protein change: p.Thr521=; no amino-acid change (threonine 521 retained).
Molecular consequence: synonymous variant.
Genome position (GRCh38, 1-based): chr4:122,743,455, A>G. VCF-style: chr4-122743455-A-G. GRCh37 (hg19) VCF-style: chr4-123664610-A-G.
Other names: c.1563A>G, p.Thr521= (NM_001178007.2); c.1563A>G (NM_152618.2).
Identifiers: ClinVar variation 2904224 (VCV002904224.4), dbSNP rs1800926316, ClinGen allele CA441121192.
Genomic context (GRCh38, chr4:122,743,455, plus strand): 5'-GGCCGTGCTCACTAACCCAGTTACTGCACAGATGCAAATCAAAGAAGATAGGTTCTGGAC[A>G]TGTGCCTATCGTTTGTATTATGCTCTAAAAGAGGAAAAGGTCTTCCTTGGAGGTGGTGCA-3'
Protein context (NP_689831.2, residues 511-531): QMQIKEDRFW[Thr521=]CAYRLYYALK